The following is an entry in ClinVar:

ClinVar aggregate classification (germline): Pathogenic (1 of 4 stars; one submission).

Submission:

Labcorp Genetics (formerly Invitae), Labcorp
Classification: Pathogenic. Last evaluated: 2023-04-06. Review status: criteria provided, single submitter. Criteria: Invitae Variant Classification Sherloc (09022015). Collection method: clinical testing. Allele origin: germline.
Comment: This sequence change creates a premature translational stop signal (p.Glu948*) in the PCNT gene. It is expected to result in an absent or disrupted protein product. Loss-of-function variants in PCNT are known to be pathogenic (PMID: 18174396, 22821869). This variant is not present in population databases (gnomAD no frequency). This variant has not been reported in the literature in individuals affected with PCNT-related conditions. For these reasons, this variant has been classified as Pathogenic.

Literature cited by the submitters: PubMed 18174396; PubMed 22821869.

NM_006031.6(PCNT):c.2842G>T (p.Glu948Ter)

Gene: PCNT (pericentrin; plus strand). Cytogenetic location: 21q22.3.
Variant type: single nucleotide variant.
Coding change: c.2842G>T on transcript NM_006031.6 (MANE Select); coding-DNA position 2842, G replaced by T.
Protein change: p.Glu948Ter; replaces glutamic acid 948 with a stop codon.
Molecular consequence: nonsense.
Genome position (GRCh38, 1-based): chr21:46,366,816, G>T. VCF-style: chr21-46366816-G-T. GRCh37 (hg19) VCF-style: chr21-47786731-G-T.
Other names: c.2488G>T, p.Glu830Ter (NM_001315529.2); short protein forms E948*, E830*.
Identifiers: ClinVar variation 2852288 (VCV002852288.3), dbSNP rs752300035, ClinGen allele CA410569466.